The following is an entry in ClinVar:

NM_001145809.2(MYH14):c.594A>T (p.Gly198=)

Gene: MYH14 (myosin heavy chain 14; plus strand). Cytogenetic location: 19q13.33.
Variant type: single nucleotide variant.
Coding change: c.594A>T on transcript NM_001145809.2 (MANE Select); coding-DNA position 594, A replaced by T.
Protein change: p.Gly198=; no amino-acid change (glycine 198 retained).
Molecular consequence: synonymous variant.
Genome position (GRCh38, 1-based): chr19:50,223,250, A>T. VCF-style: chr19-50223250-A-T. GRCh37 (hg19) VCF-style: chr19-50726507-A-T.
Other names: c.594A>T, p.Gly198= (NM_001077186.2, NM_024729.4).
Identifiers: ClinVar variation 1304393 (VCV001304393.6), dbSNP rs1195002362, ClinGen allele CA508175730.

ClinVar aggregate classification (germline): Conflicting classifications of pathogenicity. Review status: criteria provided, conflicting classifications (1 of 4 stars). 2 submissions from 2 submitters: Uncertain significance (1); Likely benign (1). Last evaluated 2022-04-12.

Allele frequency attached by ClinVar (database versions not stated): gnomAD exomes below 0.00001; TOPMed 0.00001.

Submissions (2):

Labcorp Genetics (formerly Invitae), Labcorp
Classification: Likely benign. Last evaluated: 2022-04-12. Review status: criteria provided, single submitter. Criteria: Invitae Variant Classification Sherloc (09022015). Collection method: clinical testing. Allele origin: germline.

GeneDx
Classification: Uncertain significance. Last evaluated: 2018-12-14. Review status: criteria provided, single submitter. Criteria: GeneDx Variant Classification Process June 2021. Collection method: clinical testing. Allele origin: germline. Affected: yes.
Comment: Not observed at a significant frequency in large population cohorts (Lek et al., 2016); Has not been previously published as pathogenic or benign to our knowledge; In-silico analysis, which includes splice predictors and evolutionary conservation, is inconclusive as to whether the variant alters gene splicing. In the absence of RNA/functional studies, the actual effect of this sequence change is unknown.